The following is an entry in ClinVar:

ClinVar aggregate classification (germline): Likely pathogenic (1 of 4 stars; one submission).

Submission:

GeneDx
Classification: Likely pathogenic. Last evaluated: 2017-11-28. Review status: criteria provided, single submitter. Criteria: GeneDx Variant Classification (06012015). Collection method: clinical testing. Allele origin: germline. Affected: yes.
Comment: A likely pathogenic variant has been identified in the ENG gene. This deletion of 186 nucleotides includes part of exon 7 and removes the donor splice site of intron 7, which could lead to either an abnormal message that is subject to nonsense-mediated mRNA decay, or to an abnormal protein product if the message is used for protein translation. Other loss of function variants in the ENG gene have been reported in Human Gene Mutation Database in association with HHT (Stenson et al., 2014). Finally, the c.896_991+90del186 variant is not observed in large population cohorts; however, it is not clear that a deletion of this size would be reliably detected by the methodologies utilized to generate the data set (Lek et al., 2016).

NM_001114753.3(ENG):c.896_991+90del

Gene: ENG (endoglin; minus strand). Cytogenetic location: 9q34.11.
Variant type: Deletion.
Coding change: c.896_991+90del on transcript NM_001114753.3 (MANE Select); coding-DNA position 896 through 90 bases into the intron after coding-DNA position 991, 186 bases deleted.
Molecular consequence: splice donor variant.
Genome position (GRCh38, 1-based): chr9:127,824,710-127,824,895, 186 bases deleted. GRCh37 (hg19): chr9:130,586,989-130,587,174.
Other names: c.896_991+90del (NM_000118.4, NM_001406715.1); c.350_445+90del (NM_001278138.2).
Identifiers: ClinVar variation 503882 (VCV000503882.4), dbSNP rs1554810125, ClinGen allele CA658797291.